The following is an entry in ClinVar:

ClinVar aggregate classification (germline): Likely benign. Review status: criteria provided, multiple submitters, no conflicts (2 of 4 stars). 3 submissions from 3 submitters: Likely benign (3). Last evaluated 2025-07-21.

Allele frequency attached by ClinVar (database versions not stated): ExAC 0.00001; gnomAD 0.00001; 1000 Genomes Project 30x 0.00031; 1000 Genomes Project 0.00040.
gnomAD v4.1: 12 of 1,595,248 alleles (0.00075%); highest among the groups gnomAD compares: Middle Eastern, 0.017%; no homozygotes.

Submissions (3):

Labcorp Genetics (formerly Invitae), Labcorp
Classification: Likely benign. Last evaluated: 2025-07-21. Review status: criteria provided, single submitter. Criteria: Invitae Variant Classification Sherloc (09022015). Collection method: clinical testing. Allele origin: germline.

Blueprint Genetics
Classification: Likely benign. Last evaluated: 2023-11-23. Review status: criteria provided, single submitter. Criteria: ACMG Guidelines, 2015. Collection method: clinical testing. Allele origin: germline.

GeneDx
Classification: Likely benign. Last evaluated: 2016-11-03. Review status: criteria provided, single submitter. Criteria: GeneDx Variant Classification (06012015). Collection method: clinical testing. Allele origin: germline. Affected: yes.
Comment: This variant is considered likely benign or benign based on one or more of the following criteria: it is a conservative change, it occurs at a poorly conserved position in the protein, it is predicted to be benign by multiple in silico algorithms, and/or has population frequency not consistent with disease.

NM_024120.5(NDUFAF5):c.207C>T (p.Asp69=)

Gene: NDUFAF5 (NADH:ubiquinone oxidoreductase complex assembly factor 5; plus strand). Cytogenetic location: 20p12.1.
Variant type: single nucleotide variant.
Coding change: c.207C>T on transcript NM_024120.5 (MANE Select); coding-DNA position 207, C replaced by T.
Protein change: p.Asp69=; no amino-acid change (aspartic acid 69 retained).
Molecular consequence: synonymous variant. On other transcripts: 5 prime UTR variant (3), non-coding transcript variant (7).
Genome position (GRCh38, 1-based): chr20:13,785,275, C>T. VCF-style: chr20-13785275-C-T. GRCh37 (hg19) VCF-style: chr20-13765921-C-T.
Other names: c.207C>T, p.Asp69= (NM_001039375.3, NM_001352408.2); c.-161C>T (NM_001352403.2); c.-375C>T (NM_001352406.2); c.-489C>T (NM_001352407.2).
Identifiers: ClinVar variation 390261 (VCV000390261.11), dbSNP rs546777749, ClinGen allele CA9767608.